The following is an entry in ClinVar:

ClinVar aggregate classification (germline): Uncertain significance. Review status: criteria provided, multiple submitters, no conflicts (2 of 4 stars). 2 submissions from 2 submitters: Uncertain significance (2). Last evaluated 2025-07-31.

Conditions:
Hyperkalemic periodic paralysis. Also called: Familial hyperkalemic periodic paralysis; Gamstorp disease. Identifiers: Orphanet 682, MedGen C0238357, MONDO:0008224, OMIM 170500, HP:0007215.

Submissions (2):

Labcorp Genetics (formerly Invitae), Labcorp
Classification: Uncertain significance for Hyperkalemic periodic paralysis. Last evaluated: 2025-07-31. Review status: criteria provided, single submitter. Criteria: Invitae Variant Classification Sherloc (09022015). Collection method: clinical testing. Allele origin: germline.
Comment: This sequence change replaces glycine, which is neutral and non-polar, with arginine, which is basic and polar, at codon 701 of the SCN4A protein (p.Gly701Arg). This variant is not present in population databases (gnomAD no frequency). This variant has not been reported in the literature in individuals affected with SCN4A-related conditions. ClinVar contains an entry for this variant (Variation ID: 994953). Invitae Evidence Modeling of protein sequence and biophysical properties (such as structural, functional, and spatial information, amino acid conservation, physicochemical variation, residue mobility, and thermodynamic stability) has been performed for this missense variant. However, the output from this modeling did not meet the statistical confidence thresholds required to predict the impact of this variant on SCN4A protein function. In summary, the available evidence is currently insufficient to determine the role of this variant in disease. Therefore, it has been classified as a Variant of Uncertain Significance.

Athena Diagnostics
Classification: Uncertain significance. Last evaluated: 2019-10-18. Review status: criteria provided, single submitter. Criteria: Athena Diagnostics Criteria. Collection method: clinical testing. Allele origin: unknown.

NM_000334.4(SCN4A):c.2101G>C (p.Gly701Arg)

Genes: SCN4A (sodium voltage-gated channel alpha subunit 4; minus strand), GH-LCR (growth hormone locus control region; plus strand). Cytogenetic location: 17q23.3.
Variant type: single nucleotide variant.
Coding change: c.2101G>C on transcript NM_000334.4 (MANE Select); coding-DNA position 2101, G replaced by C.
Protein change: p.Gly701Arg; replaces glycine 701 with arginine.
Molecular consequence: missense variant.
Genome position (GRCh38, 1-based): chr17:63,957,437, C>G on the plus strand (G>C on the coding strand, the complement: SCN4A is on the minus strand). VCF-style: chr17-63957437-C-G. GRCh37 (hg19) VCF-style: chr17-62034797-C-G.
Other names: short protein forms G701R.
Identifiers: ClinVar variation 994953 (VCV000994953.7), dbSNP rs1909105377, ClinGen allele CA400631142.